The following is an entry in ClinVar:

ClinVar aggregate classification (germline): Uncertain significance (1 of 4 stars; one submission).

Conditions:
Cardiovascular phenotype. Identifiers: MedGen CN230736.

Submission:

Ambry Genetics
Classification: Uncertain significance for Cardiovascular phenotype. Last evaluated: 2025-01-06. Review status: criteria provided, single submitter. Criteria: Ambry Variant Classification Scheme 2023. Collection method: clinical testing. Allele origin: germline.
Comment: The p.P352R variant (also known as c.1055C>G), located in coding exon 13 of the TRDN gene, results from a C to G substitution at nucleotide position 1055. The proline at codon 352 is replaced by arginine, an amino acid with dissimilar properties. This amino acid position is conserved. In addition, this alteration is predicted to be tolerated by in silico analysis. Based on the available evidence, the clinical significance of this variant remains unclear.

NM_006073.4(TRDN):c.1055C>G (p.Pro352Arg)

Gene: TRDN (triadin; minus strand). Cytogenetic location: 6q22.31.
Variant type: single nucleotide variant.
Coding change: c.1055C>G on transcript NM_006073.4 (MANE Select); coding-DNA position 1055, C replaced by G.
Protein change: p.Pro352Arg; replaces proline 352 with arginine.
Molecular consequence: missense variant.
Genome position (GRCh38, 1-based): chr6:123,393,674, G>C on the plus strand (C>G on the coding strand, the complement: TRDN is on the minus strand). VCF-style: chr6-123393674-G-C. GRCh37 (hg19) VCF-style: chr6-123714819-G-C.
Other names: c.1058C>G, p.Pro353Arg (NM_001251987.2); c.998C>G, p.Pro333Arg (NM_001407315.1); short protein forms P333R, P352R, P353R.
Identifiers: ClinVar variation 3810173 (VCV003810173.1).